The following is an entry in ClinVar:

NM_020937.4(FANCM):c.3297T>G (p.Arg1099=)

Gene: FANCM (FA complementation group M; plus strand). Cytogenetic location: 14q21.2.
Variant type: single nucleotide variant.
Coding change: c.3297T>G on transcript NM_020937.4 (MANE Select); coding-DNA position 3297, T replaced by G.
Protein change: p.Arg1099=; no amino-acid change (arginine 1099 retained).
Molecular consequence: synonymous variant.
Genome position (GRCh38, 1-based): chr14:45,176,051, T>G. VCF-style: chr14-45176051-T-G. GRCh37 (hg19) VCF-style: chr14-45645254-T-G.
Other names: c.3219T>G, p.Arg1073= (NM_001308133.2).
Identifiers: ClinVar variation 2644211 (VCV002644211.27), dbSNP rs2503189445, ClinGen allele CA486347038.
Genomic context (GRCh38, chr14:45,176,051, plus strand): 5'-TCTCTGTGACTGTGATGTACATAAACATAATCAAAATGAAAATTTAGTACCTAACAATCG[T>G]GTTCAAATACACAGAAGCCCTGCACAGAATTTAGTTGGAGAGAACAATCATGATGTTGAT-3'
Protein context (NP_065988.1, residues 1089-1109): NQNENLVPNN[Arg1099=]VQIHRSPAQN

ClinVar aggregate classification (germline): Likely benign. Review status: criteria provided, multiple submitters, no conflicts (2 of 4 stars). 3 submissions from 3 submitters: Likely benign (3). Last evaluated 2025-04-13.

Conditions:
Inborn genetic diseases. Identifiers: MedGen C0950123, MeSH D030342.
Fanconi anemia (FA). Also called: Fanconi's anemia. Identifiers: Orphanet 84, MedGen C0015625, MeSH D005199, MONDO:0019391.

Submissions (3):

Ambry Genetics
Classification: Likely benign for Inborn genetic diseases. Last evaluated: 2025-04-13. Review status: criteria provided, single submitter. Criteria: Ambry Variant Classification Scheme 2023. Collection method: clinical testing. Allele origin: germline.

Labcorp Genetics (formerly Invitae), Labcorp
Classification: Likely benign for Fanconi anemia. Last evaluated: 2024-07-24. Review status: criteria provided, single submitter. Criteria: Invitae Variant Classification Sherloc (09022015). Collection method: clinical testing. Allele origin: germline.

CeGaT Center for Human Genetics Tuebingen
Classification: Likely benign. Last evaluated: 2022-12-01. Review status: criteria provided, single submitter. Criteria: CeGaT Center For Human Genetics Tuebingen Variant Classification Criteria Version 2. Collection method: clinical testing. Allele origin: germline. Affected: yes. Observed: 1 variant allele.
Comment: FANCM: PM2:Supporting, BP4, BP7